The following is an entry in ClinVar:

ClinVar aggregate classification (germline): Likely benign (1 of 4 stars; one submission).

Allele frequency attached by ClinVar (database versions not stated): 1000 Genomes Project 30x 0.00016; gnomAD exomes 0.00026; TOPMed 0.00026; ExAC 0.00027; gnomAD 0.00032; ESP Exome Variant Server 0.00050.
gnomAD v4.1: 422 of 1,613,514 alleles (0.026%); highest among the groups gnomAD compares: Middle Eastern, 0.033%; 1 homozygote.

Submission:

CeGaT Center for Human Genetics Tuebingen
Classification: Likely benign. Last evaluated: 2023-01-01. Review status: criteria provided, single submitter. Criteria: CeGaT Center For Human Genetics Tuebingen Variant Classification Criteria Version 2. Collection method: clinical testing. Allele origin: germline. Affected: yes. Observed: 1 variant allele.
Comment: TICRR: BP4, BP7

NM_152259.4(TICRR):c.894G>A (p.Ser298=)

Gene: TICRR (TOPBP1 interacting checkpoint and replication regulator; plus strand). Cytogenetic location: 15q26.1.
Variant type: single nucleotide variant.
Coding change: c.894G>A on transcript NM_152259.4 (MANE Select); coding-DNA position 894, G replaced by A.
Protein change: p.Ser298=; no amino-acid change (serine 298 retained).
Molecular consequence: synonymous variant.
Genome position (GRCh38, 1-based): chr15:89,582,925, G>A. VCF-style: chr15-89582925-G-A. GRCh37 (hg19) VCF-style: chr15-90126156-G-A.
Other names: c.894G>A, p.Ser298= (NM_001308025.1).
Identifiers: ClinVar variation 2645694 (VCV002645694.24), dbSNP rs201358171, ClinGen allele CA7726004.